The following is an entry in ClinVar:

ClinVar aggregate classification (germline): Uncertain significance (1 of 4 stars; one submission).

Submission:

GeneDx
Classification: Uncertain significance. Last evaluated: 2026-04-02. Review status: criteria provided, single submitter. Criteria: GeneDx Variant Classification Process June 2021. Collection method: clinical testing. Allele origin: germline.
Comment: Not observed at significant frequency in large population cohorts (gnomAD); In silico analysis supports that this missense variant has a deleterious effect on protein structure/function; Has not been previously published as pathogenic or benign to our knowledge; In silico analysis suggests this variant may impact gene splicing. In the absence of RNA/functional studies, the actual effect of this sequence change is unknown.

NM_001080517.3(SETD5):c.1202A>T (p.Asp401Val)

Gene: SETD5 (SET domain containing 5; plus strand). Cytogenetic location: 3p25.3.
Variant type: single nucleotide variant.
Coding change: c.1202A>T on transcript NM_001080517.3 (MANE Select); coding-DNA position 1202, A replaced by T.
Protein change: p.Asp401Val; replaces aspartic acid 401 with valine.
Molecular consequence: missense variant.
Genome position (GRCh38, 1-based): chr3:9,445,062, A>T. VCF-style: chr3-9445062-A-T. GRCh37 (hg19) VCF-style: chr3-9486746-A-T.
Other names: c.908A>T, p.Asp303Val (NM_001292043.2, NM_001349451.2); c.1298A>T, p.Asp433Val (NM_001437633.1); c.1259A>T, p.Asp420Val (NM_001437635.1); c.1202A>T, p.Asp401Val (NM_001437643.1); c.1241A>T, p.Asp414Val (NM_001437701.1); short protein forms D303V, D401V, D414V, D420V, D433V.
Identifiers: ClinVar variation 5018141 (VCV005018141.1).